The following is an entry in ClinVar:

ClinVar aggregate classification (germline): Pathogenic (1 of 4 stars; one submission).

Submission:

GeneDx
Classification: Pathogenic. Last evaluated: 2017-06-13. Review status: criteria provided, single submitter. Criteria: GeneDx Variant Classification (06012015). Collection method: clinical testing. Allele origin: germline. Affected: yes.
Comment: The c.11311_11312delGA variant in the ALMS1 gene has not been reported previously as a pathogenic variant nor as a benign variant, to our knowledge. The c.11311_11312delGA variant causes a deletion of two nucleotides resulting in the substitution of a premature stop codon for Aspartic Acid at codon 3771, denoted p.Asp3771Ter. This variant is predicted to cause loss of normal protein function either through protein truncation or nonsense-mediated mRNA decay. The c.11311_11312delGA variant is not observed in large population cohorts (Lek et al., 2016; 1000 Genomes Consortium et al., 2015; Exome Variant Server). We interpret c.11311_11312delGA as a pathogenic variant.

NM_001378454.1(ALMS1):c.11308_11309del (p.Thr3769_Asp3770insTer)

Gene: ALMS1 (ALMS1 centrosome and basal body associated protein; plus strand). Cytogenetic location: 2p13.1.
Variant type: Deletion.
Coding change: c.11308_11309del on transcript NM_001378454.1 (MANE Select); coding-DNA positions 11308 to 11309, 2 bases deleted (GA; older notation c.11308_11309delGA).
Protein change: p.Thr3769_Asp3770insTer.
Molecular consequence: nonsense.
Genome position (GRCh38, 1-based): chr2:73,573,185-73,573,186, GA deleted; deleting any 2 consecutive bases within chr2:73,573,184-73,573,186 gives the same sequence; the c. name uses the placement nearest the transcript's 3' end. VCF-style (leftmost placement, unchanged base first): chr2-73573183-CAG-C. GRCh37 (hg19) VCF-style: chr2-73800310-CAG-C.
Other names: c.11311_11312del, p.Thr3770_Asp3771insTer (NM_015120.4); c.11311_11312delGA (NM_015120.4).
Identifiers: ClinVar variation 432813 (VCV000432813.2), dbSNP rs1553418578, ClinGen allele CA645372568.